The following is an entry in ClinVar:

NM_001288705.3(CSF1R):c.1561G>A (p.Ala521Thr)

Gene: CSF1R (colony stimulating factor 1 receptor; minus strand). Cytogenetic location: 5q32.
Variant type: single nucleotide variant.
Coding change: c.1561G>A on transcript NM_001288705.3 (MANE Select); coding-DNA position 1561, G replaced by A.
Protein change: p.Ala521Thr; replaces alanine 521 with threonine.
Molecular consequence: missense variant. On other transcripts: non-coding transcript variant (2).
Genome position (GRCh38, 1-based): chr5:150,068,280, C>T on the plus strand (G>A on the coding strand, the complement: CSF1R is on the minus strand). VCF-style: chr5-150068280-C-T. GRCh37 (hg19) VCF-style: chr5-149447843-C-T.
Other names: c.1561G>A, p.Ala521Thr (NM_001349736.2, NM_001375320.1, NM_005211.4); c.1117G>A, p.Ala373Thr (NM_001375321.1); short protein forms A373T, A521T.
Identifiers: ClinVar variation 1385458 (VCV001385458.8), dbSNP rs763119382, ClinGen allele CA3506780.

ClinVar aggregate classification (germline): Uncertain significance (1 of 4 stars; one submission).

Allele frequency attached by ClinVar (database versions not stated): ExAC 0.00001; gnomAD 0.00001 and 0.00002; gnomAD exomes 0.00001; TOPMed 0.00002.
gnomAD v4.1: 14 of 1,612,852 alleles (0.00087%); highest among the groups gnomAD compares: African/African-American, 0.0067%; no homozygotes.

Submission:

Labcorp Genetics (formerly Invitae), Labcorp
Classification: Uncertain significance. Last evaluated: 2024-02-23. Review status: criteria provided, single submitter. Criteria: Invitae Variant Classification Sherloc (09022015). Collection method: clinical testing. Allele origin: germline.
Comment: This sequence change replaces alanine, which is neutral and non-polar, with threonine, which is neutral and polar, at codon 521 of the CSF1R protein (p.Ala521Thr). This variant is present in population databases (rs763119382, gnomAD 0.0009%). This variant has not been reported in the literature in individuals affected with CSF1R-related conditions. ClinVar contains an entry for this variant (Variation ID: 1385458). Advanced modeling of protein sequence and biophysical properties (such as structural, functional, and spatial information, amino acid conservation, physicochemical variation, residue mobility, and thermodynamic stability) performed at Invitae indicates that this missense variant is not expected to disrupt CSF1R protein function with a negative predictive value of 95%. In summary, the available evidence is currently insufficient to determine the role of this variant in disease. Therefore, it has been classified as a Variant of Uncertain Significance.